The following is an entry in ClinVar:

ClinVar aggregate classification (germline): Uncertain significance (1 of 4 stars; one submission).

Conditions:
Charcot-Marie-Tooth disease type 2R. Also called: CHARCOT-MARIE-TOOTH DISEASE, AXONAL, AUTOSOMAL RECESSIVE, TYPE 2R; Charcot-Marie-Tooth disease, axonal, type 2R; CHARCOT-MARIE-TOOTH NEUROPATHY, TYPE 2R. Identifiers: Orphanet 397968, MedGen C3809655, MONDO:0014208, OMIM 615490.

Allele frequency attached by ClinVar (database versions not stated): gnomAD exomes below 0.00001; TOPMed 0.00001.
gnomAD v4.1: 5 of 1,614,196 alleles (0.00031%); highest among the groups gnomAD compares: Non-Finnish European, 0.00034%; no homozygotes.

Submission:

Labcorp Genetics (formerly Invitae), Labcorp
Classification: Uncertain significance for Charcot-Marie-Tooth disease type 2R. Last evaluated: 2023-08-14. Review status: criteria provided, single submitter. Criteria: Invitae Variant Classification Sherloc (09022015). Collection method: clinical testing. Allele origin: germline.
Comment: In summary, the available evidence is currently insufficient to determine the role of this variant in disease. Therefore, it has been classified as a Variant of Uncertain Significance. An algorithm developed to predict the effect of missense changes on protein structure and function (PolyPhen-2) suggests that this variant is likely to be disruptive. This variant has not been reported in the literature in individuals affected with TRIM2-related conditions. This sequence change replaces threonine, which is neutral and polar, with asparagine, which is neutral and polar, at codon 57 of the TRIM2 protein (p.Thr57Asn). This variant is not present in population databases (gnomAD no frequency).

NM_015271.5(TRIM2):c.251C>A (p.Thr84Asn)

Gene: TRIM2 (tripartite motif containing 2; plus strand). Cytogenetic location: 4q31.3.
Variant type: single nucleotide variant.
Coding change: c.251C>A on transcript NM_015271.5 (MANE Select); coding-DNA position 251, C replaced by A.
Protein change: p.Thr84Asn; replaces threonine 84 with asparagine.
Molecular consequence: missense variant. On other transcripts: 5 prime UTR variant (2), intron variant (2).
Genome position (GRCh38, 1-based): chr4:153,275,928, C>A. VCF-style: chr4-153275928-C-A. GRCh37 (hg19) VCF-style: chr4-154197080-C-A.
Other names: c.170C>A, p.Thr57Asn (NM_001130067.2, NM_001351056.2, NM_001375512.1 and 5 more transcripts); c.251C>A, p.Thr84Asn (NM_001302692.2, NM_001375488.1, NM_001375490.1 and 1 more transcripts); c.248C>A, p.Thr83Asn (NM_001302693.2, NM_001375489.1, NM_001375491.1 and 1 more transcripts); c.224C>A, p.Thr75Asn (NM_001302694.2, NM_001351054.2); c.221C>A, p.Thr74Asn (NM_001351055.2); c.-307C>A (NM_001351057.2); c.-89C>A (NM_001375525.1); c.-74-15C>A (NM_001375523.1, NM_001375522.1); short protein forms T57N, T74N, T75N, T84N, T83N.
Identifiers: ClinVar variation 2732716 (VCV002732716.3), dbSNP rs745985238, ClinGen allele CA358469914.